The following is an entry in ClinVar:

ClinVar aggregate classification (germline): Likely benign. Review status: criteria provided, multiple submitters, no conflicts (2 of 4 stars). 2 submissions from 2 submitters: Likely benign (2). Last evaluated 2022-10-01.

Allele frequency attached by ClinVar (database versions not stated): gnomAD 0.00001; ExAC 0.00002; gnomAD exomes 0.00002 and 0.00004; ESP Exome Variant Server 0.00008; 1000 Genomes Project 0.00020; 1000 Genomes Project 30x 0.00031.
gnomAD v4.1: 30 of 1,613,314 alleles (0.0019%); highest among the groups gnomAD compares: South Asian, 0.03%; 1 homozygote.

Submissions (2):

CeGaT Center for Human Genetics Tuebingen
Classification: Likely benign. Last evaluated: 2022-10-01. Review status: criteria provided, single submitter. Criteria: CeGaT Center For Human Genetics Tuebingen Variant Classification Criteria Version 2. Collection method: clinical testing. Allele origin: germline. Affected: yes. Observed: 1 variant allele.
Comment: KDM4B: BP4, BP7

Labcorp Genetics (formerly Invitae), Labcorp
Classification: Likely benign. Last evaluated: 2018-12-18. Review status: criteria provided, single submitter. Criteria: Invitae Variant Classification Sherloc (09022015). Collection method: clinical testing. Allele origin: germline.

NM_015015.3(KDM4B):c.3012C>T (p.His1004=)

Gene: KDM4B (lysine demethylase 4B; plus strand). Cytogenetic location: 19p13.3.
Variant type: single nucleotide variant.
Coding change: c.3012C>T on transcript NM_015015.3 (MANE Select); coding-DNA position 3012, C replaced by T.
Protein change: p.His1004=; no amino-acid change (histidine 1004 retained).
Molecular consequence: synonymous variant.
Genome position (GRCh38, 1-based): chr19:5,144,893, C>T. VCF-style: chr19-5144893-C-T. GRCh37 (hg19) VCF-style: chr19-5144904-C-T.
Identifiers: ClinVar variation 798659 (VCV000798659.27), dbSNP rs367957875, ClinGen allele CA9108457.